The following is an entry in ClinVar:

ClinVar aggregate classification (germline): Uncertain significance. Review status: criteria provided, multiple submitters, no conflicts (2 of 4 stars). 2 submissions from 2 submitters: Uncertain significance (2). Last evaluated 2026-03-24.

Conditions:
Early-infantile DEE. Also called: Early infantile epileptic encephalopathy; Early infantile epileptic encephalopathy with suppression bursts; Ohtahara syndrome. Identifiers: Orphanet 1934, MedGen C0393706, MONDO:0800491.

Allele frequency attached by ClinVar (database versions not stated): ExAC 0.00001; gnomAD exomes 0.00001; 1000 Genomes Project 0.00020.
gnomAD v4.1: 1 of 1,613,844 alleles (0.000062%); highest among the groups gnomAD compares: Admixed American, 0.0017%; no homozygotes.

Submissions (2):

GeneDx
Classification: Uncertain significance. Last evaluated: 2026-03-24. Review status: criteria provided, single submitter. Criteria: GeneDx Variant Classification Process June 2021. Collection method: clinical testing. Allele origin: germline.
Comment: Not observed at significant frequency in large population cohorts (gnomAD); In silico analysis suggests that this missense variant does not alter protein structure/function; Has not been previously published as pathogenic or benign to our knowledge; This substitution is predicted to be within the C-terminal cytoplasmic domain and the IQ domain

Labcorp Genetics (formerly Invitae), Labcorp
Classification: Uncertain significance for Early-infantile DEE. Last evaluated: 2021-06-09. Review status: criteria provided, single submitter. Criteria: Invitae Variant Classification Sherloc (09022015). Collection method: clinical testing. Allele origin: germline.
Comment: This sequence change replaces alanine with threonine at codon 1938 of the SCN1A protein (p.Ala1938Thr). The alanine residue is highly conserved and there is a small physicochemical difference between alanine and threonine. This variant is present in population databases (rs536616689, ExAC 0.006%). This variant has not been reported in the literature in individuals with SCN1A-related conditions. Advanced modeling of protein sequence and biophysical properties (such as structural, functional, and spatial information, amino acid conservation, physicochemical variation, residue mobility, and thermodynamic stability) performed at Invitae indicates that this missense variant is not expected to disrupt SCN1A protein function. In summary, the available evidence is currently insufficient to determine the role of this variant in disease. Therefore, it has been classified as a Variant of Uncertain Significance.

NM_001165963.4(SCN1A):c.5812G>A (p.Ala1938Thr)

Genes: SCN1A (sodium voltage-gated channel alpha subunit 1; minus strand), LOC102724058 (uncharacterized LOC102724058; plus strand). Cytogenetic location: 2q24.3.
Variant type: single nucleotide variant.
Coding change: c.5812G>A on transcript NM_001165963.4 (MANE Select); coding-DNA position 5812, G replaced by A.
Protein change: p.Ala1938Thr; replaces alanine 1938 with threonine.
Molecular consequence: missense variant. On other transcripts: non-coding transcript variant (1).
Genome position (GRCh38, 1-based): chr2:165,991,463, C>T on the plus strand (G>A on the coding strand, the complement: SCN1A is on the minus strand). VCF-style: chr2-165991463-C-T. GRCh37 (hg19) VCF-style: chr2-166847973-C-T.
Other names: c.5728G>A, p.Ala1910Thr (NM_001165964.3, NM_001353957.2, NM_001353958.2); c.5812G>A, p.Ala1938Thr (NM_001202435.3, NM_001353948.2); c.5779G>A, p.Ala1927Thr (NM_001353949.2, NM_001353950.2, NM_001353951.2 and 2 more transcripts); c.5776G>A, p.Ala1926Thr (NM_001353954.2, NM_001353955.2); c.5725G>A, p.Ala1909Thr (NM_001353960.2); c.3370G>A, p.Ala1124Thr (NM_001353961.2); c.5812G>A (NM_001165963.1); short protein forms A1124T, A1926T, A1938T, A1909T, A1910T, A1927T.
Identifiers: ClinVar variation 1350713 (VCV001350713.10), dbSNP rs536616689, ClinGen allele CA1942639.